The following is an entry in ClinVar:

ClinVar aggregate classification (germline): Uncertain significance. Review status: criteria provided, multiple submitters, no conflicts (2 of 4 stars). 2 submissions from 2 submitters: Uncertain significance (2). Last evaluated 2024-03-06.

Conditions:
Cardiomyopathy (CMYO). Also called: Cardiomyopathies. Identifiers: Orphanet 167848, MedGen C0878544, MONDO:0004994, HP:0001638. Inheritance: Various modes of inheritance.
Catecholaminergic polymorphic ventricular tachycardia (CVPT). Also called: Catecholamine-induced polymorphic ventricular tachycardia. Identifiers: Orphanet 3286, MedGen C5574922, MONDO:0017990.

Allele frequency attached by ClinVar (database versions not stated): TOPMed below 0.00001; gnomAD 0.00001; gnomAD exomes below 0.00001.
gnomAD v4.1: 3 of 1,613,450 alleles (0.00019%); highest among the groups gnomAD compares: African/African-American, 0.0013%; no homozygotes.

Submissions (2):

Color Diagnostics, LLC DBA Color Health
Classification: Uncertain significance for Cardiomyopathy. Last evaluated: 2024-03-06. Review status: criteria provided, single submitter. Criteria: ACMG Guidelines, 2015. Collection method: clinical testing. Allele origin: germline.
Comment: This missense variant replaces arginine with histidine at codon 3734 of the RYR2 protein. Computational prediction suggests that this variant may have deleterious impact on protein structure and function (internally defined REVEL score threshold >= 0.7, PMID: 27666373). Splice site prediction tools suggest that this variant may not impact RNA splicing. To our knowledge, functional studies have not been reported for this variant. This variant has not been reported in individuals affected with cardiovascular disorders in the literature. This variant has not been identified in the general population by the Genome Aggregation Database (gnomAD). The available evidence is insufficient to determine the role of this variant in disease conclusively. Therefore, this variant is classified as a Variant of Uncertain Significance.

All of Us Research Program, National Institutes of Health
Classification: Uncertain significance for Catecholaminergic polymorphic ventricular tachycardia. Last evaluated: 2023-08-15. Review status: criteria provided, single submitter. Criteria: ACMG Guidelines, 2015. Collection method: clinical testing. Allele origin: germline. Inheritance: Autosomal dominant inheritance. Observed: 1 variant allele, 1 heterozygote.
Comment: This missense variant replaces arginine with histidine at codon 3734 of the RYR2 protein. Computational prediction suggests that this variant may have deleterious impact on protein structure and function (internally defined REVEL score threshold >= 0.7, PMID: 27666373). Splice site prediction tools suggest that this variant may not impact RNA splicing. To our knowledge, functional studies have not been reported for this variant. This variant has not been reported in individuals affected with cardiovascular disorders in the literature. This variant has not been identified in the general population by the Genome Aggregation Database (gnomAD). The available evidence is insufficient to determine the role of this variant in disease conclusively. Therefore, this variant is classified as a Variant of Uncertain Significance.

This study involves interpretation of variants in research participants for the purpose of population health screening. Participant phenotype was not available at the time of variant classification. Additional details can be found in publication PMID: 35346344, PMCID: PMC8962531

NM_001035.3(RYR2):c.11201G>A (p.Arg3734His)

Gene: RYR2 (ryanodine receptor 2; plus strand). Cytogenetic location: 1q43.
Variant type: single nucleotide variant.
Coding change: c.11201G>A on transcript NM_001035.3 (MANE Select); coding-DNA position 11201, G replaced by A.
Protein change: p.Arg3734His; replaces arginine 3734 with histidine.
Molecular consequence: missense variant.
Genome position (GRCh38, 1-based): chr1:237,756,343, G>A. VCF-style: chr1-237756343-G-A. GRCh37 (hg19) VCF-style: chr1-237919643-G-A.
Other names: short protein forms R3734H.
Identifiers: ClinVar variation 926190 (VCV000926190.5), dbSNP rs1366611409, ClinGen allele CA345425869.